The following is an entry in ClinVar:

NM_000388.4(CASR):c.1351G>A (p.Asp451Asn)

Gene: CASR (calcium sensing receptor; plus strand). Cytogenetic location: 3q21.1.
Variant type: single nucleotide variant.
Coding change: c.1351G>A on transcript NM_000388.4 (MANE Select); coding-DNA position 1351, G replaced by A.
Protein change: p.Asp451Asn; replaces aspartic acid 451 with asparagine.
Molecular consequence: missense variant.
Genome position (GRCh38, 1-based): chr3:122,262,386, G>A. VCF-style: chr3-122262386-G-A. GRCh37 (hg19) VCF-style: chr3-121981233-G-A.
Other names: c.1351G>A, p.Asp451Asn (NM_001178065.2); short protein forms D451N.
Identifiers: ClinVar variation 1770617 (VCV001770617.2), dbSNP rs540006567, ClinGen allele CA2569625.

ClinVar aggregate classification (germline): Uncertain significance (1 of 4 stars; one submission).

Conditions:
Nephrolithiasis/nephrocalcinosis. Identifiers: MedGen CN580796.

Allele frequency attached by ClinVar (database versions not stated): ExAC 0.00001; gnomAD 0.00001; 1000 Genomes Project 30x 0.00016; 1000 Genomes Project 0.00020.
gnomAD v4.1: 1 of 1,613,584 alleles (0.000062%); highest among the groups gnomAD compares: Admixed American, 0.0017%; no homozygotes.

Submission:

Ambry Genetics
Classification: Uncertain significance for Nephrolithiasis/nephrocalcinosis. Last evaluated: 2021-07-08. Review status: criteria provided, single submitter. Criteria: Ambry Variant Classification Scheme 2023. Collection method: clinical testing. Allele origin: germline.
Comment: The p.D451N variant (also known as c.1351G>A), located in coding exon 3 of the CASR gene, results from a G to A substitution at nucleotide position 1351. The aspartic acid at codon 451 is replaced by asparagine, an amino acid with highly similar properties. This amino acid position is conserved. In addition, this alteration is predicted to be tolerated by in silico analysis. Since supporting evidence is limited at this time, the clinical significance of this alteration remains unclear.